The following is an entry in ClinVar:

ClinVar aggregate classification (germline): Likely benign. Review status: criteria provided, multiple submitters, no conflicts (2 of 4 stars). 2 submissions from 2 submitters: Likely benign (2). Last evaluated 2025-05-18.

Conditions:
CDH23-related disorder. Also called: CDH23-related condition; CDH23-related disorders.

Allele frequency attached by ClinVar (database versions not stated): gnomAD exomes 0.00001 and 0.00002; TOPMed 0.00001; gnomAD 0.00002 and 0.00003; ExAC 0.00003; 1000 Genomes Project 30x 0.00016; 1000 Genomes Project 0.00020.
gnomAD v4.1: 13 of 1,612,700 alleles (0.00081%); highest among the groups gnomAD compares: East Asian, 0.013%; no homozygotes.

Submissions (2):

Labcorp Genetics (formerly Invitae), Labcorp
Classification: Likely benign. Last evaluated: 2025-05-18. Review status: criteria provided, single submitter. Criteria: Invitae Variant Classification Sherloc (09022015). Collection method: clinical testing. Allele origin: germline.

PreventionGenetics, part of Exact Sciences
Classification: Likely benign for CDH23-related condition. Last evaluated: 2025-04-14. Review status: criteria provided, single submitter. Criteria: ACMG Guidelines, 2015. Collection method: clinical testing. Allele origin: germline.
Comment: This variant is classified as likely benign based on ACMG/AMP sequence variant interpretation guidelines (Richards et al. 2015 PMID: 25741868, with internal and published modifications).

NM_022124.6(CDH23):c.477C>T (p.Pro159=)

Gene: CDH23 (cadherin related 23; plus strand). Cytogenetic location: 10q22.1.
Variant type: single nucleotide variant.
Coding change: c.477C>T on transcript NM_022124.6 (MANE Select); coding-DNA position 477, C replaced by T.
Protein change: p.Pro159=; no amino-acid change (proline 159 retained).
Molecular consequence: synonymous variant.
Genome position (GRCh38, 1-based): chr10:71,566,789, C>T. VCF-style: chr10-71566789-C-T. GRCh37 (hg19) VCF-style: chr10-73326546-C-T.
Other names: c.477C>T (NM_022124.5); c.477C>T, p.Pro159= (NM_001171930.2, NM_001171931.2, NM_001171932.2 and 1 more transcripts).
Identifiers: ClinVar variation 1138698 (VCV001138698.10), dbSNP rs541559654, ClinGen allele CA5543452.